The following is an entry in ClinVar:

ClinVar aggregate classification (germline): Uncertain significance (1 of 4 stars; one submission).

Conditions:
Epidermolysis bullosa simplex 5B, with muscular dystrophy (EBS5B). Also called: EPIDERMOLYSIS BULLOSA SIMPLEX AND LIMB-GIRDLE MUSCULAR DYSTROPHY; Epidermolysis bullosa simplex with muscular dystrophy. Identifiers: Orphanet 257, MedGen C2931072, MONDO:0009181, OMIM 226670.
Epidermolysis bullosa simplex, Ogna type (EBS5A). Also called: Pidermolysis bullosa simplex 5A, Ogna type; EPIDERMOLYSIS BULLOSA SIMPLEX 5A, OGNA TYPE. Identifiers: Orphanet 79401, MedGen C0432317, MONDO:0007555, OMIM 131950.
Epidermolysis bullosa simplex 5C, with pyloric atresia (EBS5C). Also called: Epidermolysis bullosa simplex with pyloric atresia; PLEC-Related Epidermolysis Bullosa with Pyloric Atresia; PLEC1-Related Epidermolysis Bullosa with Pyloric Atresia. Identifiers: Orphanet 158684, MedGen C2677349, MONDO:0012807, OMIM 612138.
Epidermolysis bullosa simplex with nail dystrophy (EBS5D). Identifiers: MedGen C4225309, MONDO:0014661, OMIM 616487.
Autosomal recessive limb-girdle muscular dystrophy type 2Q (LGMDR17). Also called: MUSCULAR DYSTROPHY, LIMB-GIRDLE, AUTOSOMAL RECESSIVE 17. Identifiers: Orphanet 254361, MedGen C3150989, MONDO:0013390, OMIM 613723.

Submission:

Labcorp Genetics (formerly Invitae), Labcorp
Classification: Uncertain significance for Autosomal recessive limb-girdle muscular dystrophy type 2Q; Epidermolysis bullosa simplex, Ogna type; Epidermolysis bullosa simplex with nail dystrophy; Epidermolysis bullosa simplex 5C, with pyloric atresia; Epidermolysis bullosa simplex 5B, with muscular dystrophy. Last evaluated: 2023-08-10. Review status: criteria provided, single submitter. Criteria: Invitae Variant Classification Sherloc (09022015). Collection method: clinical testing. Allele origin: germline.
Comment: Algorithms developed to predict the effect of missense changes on protein structure and function output the following: SIFT: "Not Available"; PolyPhen-2: "Not Available"; Align-GVGD: "Not Available". The serine amino acid residue is found in multiple mammalian species, which suggests that this missense change does not adversely affect protein function. ClinVar contains an entry for this variant (Variation ID: 934370). This variant has not been reported in the literature in individuals affected with PLEC-related conditions. This variant is not present in population databases (gnomAD no frequency). This sequence change replaces glycine, which is neutral and non-polar, with serine, which is neutral and polar, at codon 1496 of the PLEC protein (p.Gly1496Ser). In summary, the available evidence is currently insufficient to determine the role of this variant in disease. Therefore, it has been classified as a Variant of Uncertain Significance.

NM_201384.3(PLEC):c.4405G>A (p.Gly1469Ser)

Gene: PLEC (plectin; minus strand). Cytogenetic location: 8q24.3.
Variant type: single nucleotide variant.
Coding change: c.4405G>A on transcript NM_201384.3 (MANE Select); coding-DNA position 4405, G replaced by A.
Protein change: p.Gly1469Ser; replaces glycine 1469 with serine.
Molecular consequence: missense variant.
Genome position (GRCh38, 1-based): chr8:143,925,524, C>T on the plus strand (G>A on the coding strand, the complement: PLEC is on the minus strand). VCF-style: chr8-143925524-C-T. GRCh37 (hg19) VCF-style: chr8-144999692-C-T.
Other names: c.4486G>A, p.Gly1496Ser (NM_000445.5); c.4363G>A, p.Gly1455Ser (NM_201378.4); c.4339G>A, p.Gly1447Ser (NM_201379.3); c.4816G>A, p.Gly1606Ser (NM_201380.4); c.4309G>A, p.Gly1437Ser (NM_201381.3); c.4405G>A, p.Gly1469Ser (NM_201382.4); c.4417G>A, p.Gly1473Ser (NM_201383.3); short protein forms G1455S, G1496S, G1447S, G1606S, G1437S, G1473S, G1469S.
Identifiers: ClinVar variation 934370 (VCV000934370.7), dbSNP rs1824783795, ClinGen allele CA372557268.
Genomic context (GRCh38, chr8:143,925,524, plus strand): 5'-TTTGTGCCTCAGCCTCCTCCGCCCGTGCACGCAGTGCCTGCAGCTCCCCCTCAGCCCCGC[C>T]ACGCTGGCGCTCGGTGGCCTCCAACTGCAGGCGCACCACGCGGATCTCCTCCTCGATGCG-3'
Protein context (NP_958786.1, residues 1459-1479): LQLEATERQR[Gly1469Ser]GAEGELQALR